The following is an entry in ClinVar:

NM_000322.5(PRPH2):c.581+1G>A

Gene: PRPH2 (peripherin 2; minus strand). Cytogenetic location: 6p21.1.
Variant type: single nucleotide variant.
Coding change: c.581+1G>A on transcript NM_000322.5 (MANE Select); the canonical splice donor site of the intron after coding-DNA position 581, G replaced by A.
Molecular consequence: splice donor variant.
Genome position (GRCh38, 1-based): chr6:42,721,753, C>T on the plus strand (G>A on the coding strand, the complement: PRPH2 is on the minus strand). VCF-style: chr6-42721753-C-T. GRCh37 (hg19) VCF-style: chr6-42689491-C-T.
Identifiers: ClinVar variation 866648 (VCV000866648.11), dbSNP rs1761904690, ClinGen allele CA364137089.
Genomic context (GRCh38, chr6:42,721,753, plus strand): 5'-CCTGAGCCTCAGTGTCCCCAATATATTCATAGCTCTGACCCCAGGACTGGAAGCCACTCA[C>T]TCTTTGACTTCTTTGGAGGAAAAGTCCAGGTAGCGATTGCTGATCCACTGAATCTCAAAC-3'

ClinVar aggregate classification (germline): Pathogenic. Review status: criteria provided, multiple submitters, no conflicts (2 of 4 stars). 5 submissions from 5 submitters: Pathogenic (4). 1 of the submissions does not count toward it. Last evaluated 2026-02-01.

Conditions:
Retinal dystrophy. Also called: Inherited retinal dystrophy. Identifiers: Orphanet 71862, MedGen C0854723, MeSH D058499, MONDO:0019118, HP:0000556.
PRPH2-related disorder. Also called: PRPH2-related condition; PRPH2-related disorders. Identifiers: MedGen CN239395.

Allele frequency attached by ClinVar (database versions not stated): gnomAD exomes below 0.00001.
gnomAD v4.1: 1 of 1,614,172 alleles (0.000062%); highest among the groups gnomAD compares: Non-Finnish European, 0.000085%; no homozygotes.

Submissions (5):

Labcorp Genetics (formerly Invitae), Labcorp
Classification: Pathogenic for PRPH2-related disorder. Last evaluated: 2026-02-01. Review status: criteria provided, single submitter. Criteria: Invitae Variant Classification Sherloc (09022015). Collection method: clinical testing. Allele origin: germline.
Comment: This sequence change affects a donor splice site in intron 1 of the PRPH2 gene. It is expected to disrupt RNA splicing. Variants that disrupt the donor or acceptor splice site typically lead to a loss of protein function (PMID: 16199547), and loss-of-function variants in PRPH2 are known to be pathogenic (PMID: 8111389, 8485575, 8485576, 8675410, 16916875, 17504850, 22863181, 25675413, 26061163, 27365499, 29555955, 33546218). This variant is not present in population databases (gnomAD no frequency). Disruption of this splice site has been observed in individual(s) with autosomal dominant pattern dystrophy (PMID: 16340530). It has also been observed to segregate with disease in related individuals. ClinVar contains an entry for this variant (Variation ID: 866648). Algorithms developed to predict the effect of sequence changes on RNA splicing suggest that this variant may disrupt the consensus splice site. For these reasons, this variant has been classified as Pathogenic.

GeneDx
Classification: Pathogenic. Last evaluated: 2024-12-03. Review status: criteria provided, single submitter. Criteria: GeneDx Variant Classification Process June 2021. Collection method: clinical testing. Allele origin: germline. Affected: yes.
Comment: Canonical splice site variant predicted to result in a null allele in a gene for which loss of function is a known mechanism of disease; Not observed at significant frequency in large population cohorts (gnomAD); This variant is associated with the following publications: (PMID: 34411390)

Blueprint Genetics
Classification: Pathogenic for PRPH2-related disorders. Last evaluated: 2021-09-28. Review status: criteria provided, single submitter. Criteria: ACMG Guidelines, 2015. Collection method: clinical testing. Allele origin: germline. Affected: yes. Observed: 4 variant alleles.

Institute of Human Genetics, Univ. Regensburg, Univ. Regensburg
Classification: Pathogenic for Retinal dystrophy. Last evaluated: 2019-01-01. Review status: criteria provided, single submitter. Criteria: ACMG Guidelines, 2015. Collection method: clinical testing. Allele origin: germline. Affected: yes.

Leiden Open Variation Database
Classification: Pathogenic. Last evaluated: 2021-04-06. Review status: no assertion criteria provided. Collection method: curation. Allele origin: germline. Affected: yes. Not counted in ClinVar's aggregate classification.
Comment: Curator: Global Variome, with Curator vacancy. Submitter to LOVD: Manon Peeters.

Literature cited by the submitters: PubMed 16199547 (cited by Labcorp Genetics (formerly Invitae), Labcorp); PubMed 8111389 (cited by Labcorp Genetics (formerly Invitae), Labcorp); PubMed 8485575 (cited by Labcorp Genetics (formerly Invitae), Labcorp); PubMed 8485576 (cited by Labcorp Genetics (formerly Invitae), Labcorp); PubMed 8675410 (cited by Labcorp Genetics (formerly Invitae), Labcorp); PubMed 16916875 (cited by Labcorp Genetics (formerly Invitae), Labcorp); PubMed 17504850 (cited by Labcorp Genetics (formerly Invitae), Labcorp); PubMed 22863181 (cited by Labcorp Genetics (formerly Invitae), Labcorp); PubMed 25675413 (cited by Labcorp Genetics (formerly Invitae), Labcorp); PubMed 26061163 (cited by Labcorp Genetics (formerly Invitae), Labcorp); PubMed 27365499 (cited by Labcorp Genetics (formerly Invitae), Labcorp); PubMed 29555955 (cited by Labcorp Genetics (formerly Invitae), Labcorp); PubMed 33546218 (cited by Labcorp Genetics (formerly Invitae), Labcorp); PubMed 16340530 (cited by Labcorp Genetics (formerly Invitae), Labcorp); PubMed 34411390 (cited by Institute of Human Genetics, Univ. Regensburg, Univ. Regensburg).